The following is an entry in ClinVar:

ClinVar aggregate classification (germline): Uncertain significance (1 of 4 stars; one submission).

Submission:

Ambry Genetics
Classification: Uncertain significance. Last evaluated: 2024-04-10. Review status: criteria provided, single submitter. Criteria: Ambry Variant Classification Scheme 2023. Collection method: clinical testing. Allele origin: germline.
Comment: The p.N191S variant (also known as c.572A>G), located in coding exon 6 of the PRKDC gene, results from an A to G substitution at nucleotide position 572. The asparagine at codon 191 is replaced by serine, an amino acid with highly similar properties. This amino acid position is conserved. In addition, this alteration is predicted to be tolerated by in silico analysis. Based on the available evidence, the clinical significance of this variant remains unclear.

NM_006904.7(PRKDC):c.572A>G (p.Asn191Ser)

Gene: PRKDC (protein kinase, DNA-activated, catalytic subunit; minus strand). Cytogenetic location: 8q11.21.
Variant type: single nucleotide variant.
Coding change: c.572A>G on transcript NM_006904.7 (MANE Select); coding-DNA position 572, A replaced by G.
Protein change: p.Asn191Ser; replaces asparagine 191 with serine.
Molecular consequence: missense variant.
Genome position (GRCh38, 1-based): chr8:47,953,856, T>C on the plus strand (A>G on the coding strand, the complement: PRKDC is on the minus strand). VCF-style: chr8-47953856-T-C. GRCh37 (hg19) VCF-style: chr8-48866416-T-C.
Other names: c.572A>G, p.Asn191Ser (NM_001081640.2); short protein forms N191S.
Identifiers: ClinVar variation 3310113 (VCV003310113.1).
Genomic context (GRCh38, chr8:47,953,856, plus strand): 5'-GTTCATCATACCTGGGTCTTAAGTTCACCCAGAAAAGCGCGGAACAGGTTTTCTGCATTA[T>C]TTATCATCTCACTAGGATGAACTTCACCCAATAATCCTAGGAGCTCATATACTTTTTCTA-3'
Protein context (NP_008835.5, residues 181-201): LGEVHPSEMI[Asn191Ser]NAENLFRAFL